The following is an entry in ClinVar:

NM_002016.2(FLG):c.2362C>T (p.Arg788Ter)

Genes: CCDST (cervical cancer associated DHX9 suppressive transcript; plus strand), FLG (filaggrin; minus strand). Cytogenetic location: 1q21.3.
Variant type: single nucleotide variant.
Coding change: c.2362C>T on transcript NM_002016.2 (MANE Select); coding-DNA position 2362, C replaced by T.
Protein change: p.Arg788Ter; replaces arginine 788 with a stop codon.
Molecular consequence: nonsense.
Genome position (GRCh38, 1-based): chr1:152,312,524, G>A on the plus strand (C>T on the coding strand, the complement: FLG is on the minus strand). VCF-style: chr1-152312524-G-A. GRCh37 (hg19) VCF-style: chr1-152285000-G-A.
Other names: short protein forms R788*.
Identifiers: ClinVar variation 450522 (VCV000450522.22), dbSNP rs183942200, ClinGen allele CA1107211.
Genomic context (GRCh38, chr1:152,312,524, plus strand): 5'-CATGGGAGGACTCAGACTGTTTATGAGTGCTCACCTGGTAGAGGAAAGACCCTGAACGTC[G>A]AGACCTTTCCCCTGACCGGTCACGTGCGGACTCTTGGTGGCTCTGCTGATGGTGACCAGC-3'

ClinVar aggregate classification (germline): Pathogenic/Likely pathogenic. Review status: criteria provided, multiple submitters, no conflicts (2 of 4 stars). 6 submissions from 6 submitters: Pathogenic (2); Likely pathogenic (3). 1 of the submissions does not count toward it. Last evaluated 2026-08-13.

Conditions:
FLG-related disorder. Also called: FLG-related disorders; FLG-related condition.
Dermatitis, atopic, 2. Identifiers: MedGen C1853965, MONDO:0011596, OMIM 605803.
Ichthyosis vulgaris. Also called: ICHTHYOSIS SIMPLEX; Dominant ichthyosis vulgaris. Identifiers: MedGen C0079584, MONDO:0024304, OMIM 146700.

Allele frequency attached by ClinVar (database versions not stated): ESP Exome Variant Server 0.00008; gnomAD 0.00012 and 0.00013; TOPMed 0.00017; 1000 Genomes Project 0.00020; 1000 Genomes Project 30x 0.00031.
gnomAD v4.1: 249 of 1,613,102 alleles (0.015%); highest among the groups gnomAD compares: Admixed American, 0.048%; no homozygotes.

Submissions (6):

GeneDx
Classification: Pathogenic. Last evaluated: 2026-08-13. Review status: criteria provided, single submitter. Criteria: GeneDx Variant Classification Process June 2021. Collection method: clinical testing. Allele origin: germline.
Comment: Identified in a patient with atopic dermatitis in published literature (PMID: 28866311); Nonsense variant predicted to result in protein truncation, as the last 3274 amino acids are lost, and other loss-of-function variants have been reported downstream in HGMD; This variant is associated with the following publications: (PMID: 35406420, 31589614, 31365035, Bonilla2026[Abstract], 28866311, 16444271)

Blueprint Genetics
Classification: Pathogenic for FLG-related disorders. Last evaluated: 2024-11-11. Review status: criteria provided, single submitter. Criteria: ACMG Guidelines, 2015. Collection method: clinical testing. Allele origin: germline. Affected: yes. Observed: 5 variant alleles.

Genome-Nilou Lab
Classification: Likely pathogenic for Ichthyosis vulgaris. Last evaluated: 2023-04-11. Review status: criteria provided, single submitter. Criteria: ACMG Guidelines, 2015. Collection method: clinical testing. Allele origin: germline. Affected: no.

MGZ Medical Genetics Center
Classification: Likely pathogenic for Ichthyosis vulgaris. Last evaluated: 2022-05-19. Review status: criteria provided, single submitter. Criteria: ACMG Guidelines, 2015. Collection method: clinical testing. Allele origin: germline. Affected: yes. Observed: 1 variant allele.
Comment: ACMG criteria applied: PVS1, PM2_SUP

Juno Genomics, Hangzhou Juno Genomics, Inc
Classification: Likely pathogenic for Ichthyosis vulgaris. Review status: criteria provided, single submitter. Criteria: ACMG Guidelines, 2015. Collection method: clinical testing. Allele origin: germline. Affected: yes.
Comment: Null variant in a gene where loss of function (LOF) is a known mechanism of disease.;The prevalence of the variant in affected individuals is significantly increased compared to the prevalence in controls.;Patient's phenotype or family history is highly specific for a disease with a single genetic etiology.;Absent from controls (or at extremely low frequency if recessive) in Genome Aggregation Database, Exome Sequencing Project, 1000 Genomes Project, or Exome Aggregation Consortium.;For recessive disorders, detected in trans with a pathogenic variant.

PreventionGenetics, part of Exact Sciences
Classification: Likely pathogenic for FLG-related condition. Last evaluated: 2024-02-13. Review status: no assertion criteria provided. Collection method: clinical testing. Allele origin: germline. Not counted in ClinVar's aggregate classification.
Comment: The FLG c.2362C>T variant is predicted to result in premature protein termination (p.Arg788*). This variant was reported in a cohort study of FLG loss-of-function variants in children with atopic dermatitis (Margolis et al. 2019. PubMed ID: 31365035). This variant is reported in 0.056% of alleles in individuals of Latino descent in gnomAD. Nonsense variants in FLG are expected to be pathogenic. This variant is interpreted as likely pathogenic.